The following is an entry in ClinVar:

NM_033380.3(COL4A5):c.1967G>A (p.Gly656Asp)

Gene: COL4A5 (collagen type IV alpha 5 chain; plus strand). Cytogenetic location: Xq22.3.
Variant type: single nucleotide variant.
Coding change: c.1967G>A on transcript NM_033380.3 (MANE Select); coding-DNA position 1967, G replaced by A.
Protein change: p.Gly656Asp; replaces glycine 656 with aspartic acid.
Molecular consequence: missense variant.
Genome position (GRCh38, 1-based): chrX:108,601,411, G>A. VCF-style: chrX-108601411-G-A. GRCh37 (hg19) VCF-style: chrX-107844641-G-A.
Other names: c.1967G>A, p.Gly656Asp (NM_000495.5); short protein forms G656D.
Identifiers: ClinVar variation 972717 (VCV000972717.4), dbSNP rs2066625376, ClinGen allele CA413846701.

ClinVar aggregate classification (germline): Conflicting classifications of pathogenicity. Review status: criteria provided, conflicting classifications (1 of 4 stars). 2 submissions from 2 submitters: Likely pathogenic (1); Uncertain significance (1). Last evaluated 2020-06-30.

Conditions:
X-linked Alport syndrome (ATS1). Also called: COL4A5-Related Nephropathy; NEPHROPATHY AND DEAFNESS, X-LINKED. Identifiers: Orphanet 63, Orphanet 88917, MedGen C4746986, MONDO:0010520, OMIM 301050.

Submissions (2):

Molecular Medicine Center, Medical University of Sofia
Classification: Likely pathogenic for X-linked Alport syndrome. Last evaluated: 2020-06-30. Review status: criteria provided, single submitter. Criteria: ACMG Guidelines, 2015. Collection method: clinical testing. Allele origin: maternal. Inheritance: X-linked dominant inheritance. Affected: yes. Observed: 2 variant alleles, 2 heterozygotes. Clinical features observed: Hematuria (HP:0000790), Focal segmental glomerulosclerosis (HP:0000097), Mesangiocapillary glomerulonephritis (HP:0000793).
Comment: Variant segregates with the disease in the affected family.

Department of Nephrology, Rheumatology and Immunology, Shanghai Children's Hospital
Classification: Uncertain significance for X-linked Alport syndrome. Last evaluated: 2019-10-29. Review status: criteria provided, single submitter. Criteria: ACMG Guidelines, 2015. Collection method: clinical testing. Allele origin: maternal. Affected: yes. Observed: 1 variant allele.
Comment: The NM_000495.5(COL4A5):c.1967G>A (p.Gly656Asp) is a missense variant located in a Gly-X-Y repeat of the collagenous domain of COL4A5. This variant is reported to have an extremely low frequency in the gnomAD v3.1.2 (GRCh38) population database (PM2). Multiple computational tools, including SIFT and PolyPhen, predict this variant to have a deleterious effect on the protein product (PP3). In summary, this variant meets criteria to be classified as Uncertain Significance for Alport syndrome based on the ACMG/AMP 2015 criteria applied: PM2, PP1, PP3, PP4.